The following is an entry in ClinVar:

NM_001009944.3(PKD1):c.11158T>G (p.Ser3720Ala)

Genes: PKD1 (polycystin 1, transient receptor potential channel interacting; minus strand), PKD1-AS1 (PKD1 antisense RNA 1; plus strand). Cytogenetic location: 16p13.3.
Variant type: single nucleotide variant.
Coding change: c.11158T>G on transcript NM_001009944.3 (MANE Select); coding-DNA position 11158, T replaced by G.
Protein change: p.Ser3720Ala; replaces serine 3720 with alanine.
Molecular consequence: missense variant.
Genome position (GRCh38, 1-based): chr16:2,092,591, A>C on the plus strand (T>G on the coding strand, the complement: PKD1 is on the minus strand). VCF-style: chr16-2092591-A-C. GRCh37 (hg19) VCF-style: chr16-2142592-A-C.
Other names: c.11155T>G, p.Ser3719Ala (NM_000296.4); short protein forms S3719A, S3720A.
Identifiers: ClinVar variation 1310653 (VCV001310653.4), dbSNP rs780574700, ClinGen allele CA7829270.

ClinVar aggregate classification (germline): Uncertain significance. Review status: criteria provided, multiple submitters, no conflicts (2 of 4 stars). 3 submissions from 3 submitters: Uncertain significance (3). Last evaluated 2021-08-10.

Conditions:
Polycystic kidney disease, adult type (PKD1). Also called: Polycystic Kidney Disease 1, Autosomal Dominant; Polycystic kidney disease 1; Polycystic kidney disease 1, severe; POLYCYSTIC KIDNEY DISEASE 1 WITH OR WITHOUT POLYCYSTIC LIVER DISEASE; POLYCYSTIC KIDNEY DISEASE, ADULT, TYPE I; Polycystic Kidney, Autosomal Dominant. Identifiers: MedGen C3149841, MONDO:0008263, OMIM 173900.

Allele frequency attached by ClinVar (database versions not stated): ExAC 0.00094.

Submissions (3):

Fulgent Genetics
Classification: Uncertain significance for Polycystic kidney disease, adult type. Last evaluated: 2021-08-10. Review status: criteria provided, single submitter. Criteria: ACMG Guidelines, 2015. Collection method: clinical testing. Allele origin: unknown.

GeneDx
Classification: Uncertain significance. Last evaluated: 2019-12-04. Review status: criteria provided, single submitter. Criteria: GeneDx Variant Classification Process June 2021. Collection method: clinical testing. Allele origin: germline. Affected: yes.
Comment: In silico analysis, which includes protein predictors and evolutionary conservation, supports a deleterious effect; No reliable data available from control populations to assess the frequency of this variant; Has not been previously published as pathogenic or benign to our knowledge

Department of Pathology and Laboratory Medicine, Sinai Health System
Classification: Uncertain significance for Polycystic kidney disease, adult type. Last evaluated: 2017-07-24. Review status: criteria provided, single submitter. Criteria: ACMG Guidelines, 2015. Collection method: clinical testing. Allele origin: germline. Affected: yes.